The following is an entry in ClinVar:

NM_147127.5(EVC2):c.1508_1509delinsC (p.His503fs)

Gene: EVC2 (EvC ciliary complex subunit 2; minus strand). Cytogenetic location: 4p16.2.
Variant type: Indel.
Coding change: c.1508_1509delinsC on transcript NM_147127.5 (MANE Select); coding-DNA positions 1508 to 1509, AT replaced by C.
Protein change: p.His503fs; shifts the reading frame from histidine 503.
Molecular consequence: frameshift variant.
Genome position (GRCh38, 1-based): chr4:5,631,994-5,631,995, AT replaced by G on the plus strand (AT replaced by C on the coding strand, the reverse complement: EVC2 is on the minus strand). VCF-style: chr4-5631994-AT-G. GRCh37 (hg19) VCF-style: chr4-5633721-AT-G.
Other names: c.1268_1269delinsC, p.His423fs (NM_001166136.2); short protein forms H423fs, H503fs.
Identifiers: ClinVar variation 5012391 (VCV005012391.1).

ClinVar aggregate classification (germline): Pathogenic (1 of 4 stars; one submission).

Conditions:
Ellis-van Creveld syndrome (EVC). Also called: MESOECTODERMAL DYSPLASIA; Chondroectodermal dysplasia. Identifiers: Orphanet 289, MedGen C0013903, MONDO:0009162, OMIM 225500.

Submission:

Myriad Genetics, Inc.
Classification: Pathogenic for Ellis-van Creveld syndrome. Last evaluated: 2023-10-14. Review status: criteria provided, single submitter. Criteria: Myriad Autosomal Dominant, Autosomal Recessive and X-Linked Classification Criteria (2023). Collection method: clinical testing. Allele origin: unknown.
Comment: NM_147127.4(EVC2):c.1508_1509delATinsC(H503Pfs*8) is expected to be pathogenic in the context of EVC2-related Ellis-van Creveld syndrome. This variant is predicted to lead to an abnormal or absent protein product due to the creation of a premature termination codon in EVC2, a gene where loss-of-function variants are known to be pathogenic. Please note: this variant was assessed in the context of healthy population screening.